The following is an entry in ClinVar:

NC_000002.11:g.(?_55912058)_(55920958_?)dup

Gene: PNPT1 (polyribonucleotide nucleotidyltransferase 1; minus strand). Cytogenetic location: 2p16.1.
Variant type: Duplication.
Identifiers: ClinVar variation 1412628 (VCV001412628.4).

ClinVar aggregate classification (germline): Uncertain significance (1 of 4 stars; one submission).

Submission:

Labcorp Genetics (formerly Invitae), Labcorp
Classification: Uncertain significance. Last evaluated: 2022-10-25. Review status: criteria provided, single submitter. Criteria: Invitae Variant Classification Sherloc (09022015). Collection method: clinical testing. Allele origin: germline.
Comment: This variant results in a copy number gain of the genomic region encompassing exon(s) 1-4 of the PNPT1 gene. This region includes the initiator codon of the gene. This copy number gain extends beyond the assayed region for this gene and therefore may encompass additional genes. As the precise location of this event is unknown, it may be in tandem or it may be located elsewhere in the genome. This variant has not been reported in the literature in individuals affected with PNPT1-related conditions. Experimental studies and prediction algorithms are not available or were not evaluated, and the functional significance of this variant is currently unknown. In summary, the available evidence is currently insufficient to determine the role of this variant in disease. Therefore, it has been classified as a Variant of Uncertain Significance.